The following is an entry in ClinVar:

NM_198060.4(NRAP):c.463G>A (p.Glu155Lys)

Gene: NRAP (nebulin related anchoring protein; minus strand). Cytogenetic location: 10q25.3.
Variant type: single nucleotide variant.
Coding change: c.463G>A on transcript NM_198060.4 (MANE Select); coding-DNA position 463, G replaced by A.
Protein change: p.Glu155Lys; replaces glutamic acid 155 with lysine.
Molecular consequence: missense variant.
Genome position (GRCh38, 1-based): chr10:113,654,023, C>T on the plus strand (G>A on the coding strand, the complement: NRAP is on the minus strand). VCF-style: chr10-113654023-C-T. GRCh37 (hg19) VCF-style: chr10-115413782-C-T.
Other names: c.463G>A, p.Glu155Lys (NM_001261463.2, NM_001322945.2, NM_006175.5); short protein forms E155K.
Identifiers: ClinVar variation 3895308 (VCV003895308.2), dbSNP rs1469782810.
Genomic context (GRCh38, chr10:113,654,023, plus strand): 5'-AAACTAATTGCTAAGTAATTGCTAAACCAATTCCTAAAGCAATTTCTAGGGTGCTTACCT[C>T]ACCAAGAGACTTTCGAGCCTCAACCATCCTTACAATTTCGGGGTCTGGCAGAGCTCCTGG-3'
Protein context (NP_932326.2, residues 145-165): RMVEARKSLG[Glu155Lys]EYTEDYEQPR

ClinVar aggregate classification (germline): Likely benign. Review status: criteria provided, multiple submitters, no conflicts (2 of 4 stars). 2 submissions from 2 submitters: Likely benign (2). Last evaluated 2025-04-09.

gnomAD v4.1: 17 of 1,604,028 alleles (0.0011%); highest among the groups gnomAD compares: Non-Finnish European, 0.0014%; no homozygotes.

Submissions (2):

Molecular Diagnostic Laboratory for Inherited Cardiovascular Disease, Montreal Heart Institute
Classification: Likely benign. Last evaluated: 2025-04-09. Review status: criteria provided, single submitter. Criteria: ACMG Guidelines, 2015. Collection method: clinical testing. Allele origin: germline. Affected: no.
Comment: PM2, BP4

Blueprint Genetics
Classification: Likely benign. Last evaluated: 2024-07-18. Review status: criteria provided, single submitter. Criteria: ACMG Guidelines, 2015. Collection method: clinical testing. Allele origin: germline.